The following is an entry in ClinVar:

ClinVar aggregate classification (germline): Conflicting classifications of pathogenicity. Review status: criteria provided, conflicting classifications (1 of 4 stars). 7 submissions from 7 submitters: Uncertain significance (5); Likely benign (2). Last evaluated 2026-01-15.

Conditions:
MYO3A-related disorder. Also called: MYO3A-related condition.
Autosomal recessive nonsyndromic hearing loss 30. Identifiers: Orphanet 90636, MedGen C1846784, MONDO:0011774, OMIM 607101.

Allele frequency attached by ClinVar (database versions not stated): ExAC 0.00021; TOPMed 0.00028; gnomAD exomes 0.00029; 1000 Genomes Project 0.00100; 1000 Genomes Project 30x 0.00109.
gnomAD v4.1: 167 of 1,613,226 alleles (0.01%); highest among the groups gnomAD compares: East Asian, 0.36%; 1 homozygote.

Submissions (7):

Labcorp Genetics (formerly Invitae), Labcorp
Classification: Likely benign. Last evaluated: 2026-01-15. Review status: criteria provided, single submitter. Criteria: Invitae Variant Classification Sherloc (09022015). Collection method: clinical testing. Allele origin: germline.

PreventionGenetics, part of Exact Sciences
Classification: Likely benign for MYO3A-related condition. Last evaluated: 2026-01-05. Review status: criteria provided, single submitter. Criteria: ACMG Guidelines, 2015. Collection method: clinical testing. Allele origin: germline.
Comment: This variant is classified as likely benign based on ACMG/AMP sequence variant interpretation guidelines (Richards et al. 2015 PMID: 25741868, with internal and published modifications).

Blueprint Genetics
Classification: Uncertain significance. Last evaluated: 2023-10-26. Review status: criteria provided, single submitter. Criteria: ACMG Guidelines, 2015. Collection method: clinical testing. Allele origin: germline.

Women's Health and Genetics/Laboratory Corporation of America, LabCorp
Classification: Uncertain significance. Last evaluated: 2023-10-23. Review status: criteria provided, single submitter. Criteria: LabCorp Variant Classification Summary - May 2015. Collection method: clinical testing. Allele origin: germline.
Comment: Variant summary: MYO3A c.426T>G (p.His142Gln) results in a non-conservative amino acid change located in the protein kinase domain (IPR000719) of the encoded protein sequence. Five of five in-silico tools predict a damaging effect of the variant on protein function. The variant allele was found at a frequency of 0.00029 in 251056 control chromosomes, predominantly at a frequency of 0.0039 within the East Asian subpopulation in the gnomAD database. c.426T>G has been reported in the literature in individuals of Japanese ancestry affected with late-onset Autosomal Recessive Nonsyndromic Hearing Loss (Miyagawa_2013). This report does not provide unequivocal conclusions about association of the variant with Autosomal Recessive Nonsyndromic Hearing Loss 30. To our knowledge, no experimental evidence demonstrating an impact on protein function has been reported. The following publications have been ascertained in the context of this evaluation (PMID: 30245029, 23967202). Three submitters have cited clinical-significance assessments for this variant to ClinVar after 2014. Two submitters classified the variant as uncertain significance and one classified it as likely benign. Based on the evidence outlined above, the variant was classified as uncertain significance.

Mayo Clinic Laboratories, Mayo Clinic
Classification: Uncertain significance. Last evaluated: 2022-12-21. Review status: criteria provided, single submitter. Criteria: ACMG Guidelines, 2015. Collection method: clinical testing. Allele origin: germline. Observed: 1 variant allele.
Comment: BS1, PP3

ARUP Laboratories, Molecular Genetics and Genomics, ARUP Laboratories
Classification: Uncertain significance for Autosomal recessive nonsyndromic hearing loss 30. Last evaluated: 2022-02-28. Review status: criteria provided, single submitter. Criteria: ARUP Molecular Germline Variant Investigation Process 2021. Collection method: clinical testing. Allele origin: germline.
Comment: The MYO3A c.426T>G; p.His142Gln variant (rs189595832) is reported in the literature in multiple individuals affected with late onset hearing loss (Miyagawa 2013). This variant is reported in ClinVar (Variation ID: 1127897). This variant is found in the East Asian population with an allele frequency of 0.4% (74/19930 alleles) in the Genome Aggregation Database, which greater than expected for MYO3A related deafness. The histidine at codon 142 is highly conserved, and computational analyses predict that this variant is deleterious (REVEL: 0.872). However, given the lack of clinical and functional data, the significance of the p.His142Gln variant is uncertain at this time. References: Miyagawa M et al. Targeted exon sequencing successfully discovers rare causative genes and clarifies the molecular epidemiology of Japanese deafness patients. PLoS One. 2013 Aug 13;8(8):e71381. PMID: 23967202

GeneDx
Classification: Uncertain significance. Last evaluated: 2021-05-18. Review status: criteria provided, single submitter. Criteria: GeneDx Variant Classification Process June 2021. Collection method: clinical testing. Allele origin: germline. Affected: yes.
Comment: In silico analysis supports that this missense variant has a deleterious effect on protein structure/function; This variant is associated with the following publications: (PMID: 23967202, 30245029)

Literature cited by the submitters: PubMed 23967202 (cited by Women's Health and Genetics/Laboratory Corporation of America, LabCorp and Mayo Clinic Laboratories, Mayo Clinic); PubMed 30245029 (cited by Women's Health and Genetics/Laboratory Corporation of America, LabCorp and Mayo Clinic Laboratories, Mayo Clinic).

NM_017433.5(MYO3A):c.426T>G (p.His142Gln)

Gene: MYO3A (myosin IIIA; plus strand). Cytogenetic location: 10p12.1.
Variant type: single nucleotide variant.
Coding change: c.426T>G on transcript NM_017433.5 (MANE Select); coding-DNA position 426, T replaced by G.
Protein change: p.His142Gln; replaces histidine 142 with glutamine.
Molecular consequence: missense variant.
Genome position (GRCh38, 1-based): chr10:25,997,176, T>G. VCF-style: chr10-25997176-T-G. GRCh37 (hg19) VCF-style: chr10-26286105-T-G.
Other names: p.His142Gln; c.426T>G, p.His142Gln (NM_001368265.1); short protein forms H142Q.
Identifiers: ClinVar variation 1127897 (VCV001127897.18), dbSNP rs189595832, ClinGen allele CA5444306.